The following is an entry in ClinVar:

ClinVar aggregate classification (germline): Likely benign. Review status: criteria provided, multiple submitters, no conflicts (2 of 4 stars). 7 submissions from 7 submitters: Likely benign (4). 3 of the submissions do not count toward it. Last evaluated 2025-11-24.

Conditions:
Cardiovascular phenotype. Identifiers: MedGen CN230736.
Primary dilated cardiomyopathy (DCM). Also called: Dilated Cardiomyopathy. Identifiers: Orphanet 217604, MedGen C0007193, MeSH D002311, MONDO:0005021, HP:0001644. Inheritance: Various modes of inheritance.
TXNRD2-related disorder. Also called: TXNRD2-related condition.

Allele frequency attached by ClinVar (database versions not stated): ESP Exome Variant Server 0.00008; TOPMed 0.00021.
gnomAD v4.1: 362 of 1,613,512 alleles (0.022%); highest among the groups gnomAD compares: Middle Eastern, 0.58%; 1 homozygote.

Submissions (7):

Labcorp Genetics (formerly Invitae), Labcorp
Classification: Likely benign for Primary dilated cardiomyopathy. Last evaluated: 2025-11-24. Review status: criteria provided, single submitter. Criteria: Invitae Variant Classification Sherloc (09022015). Collection method: clinical testing. Allele origin: germline.

Ambry Genetics
Classification: Likely benign for Cardiovascular phenotype. Last evaluated: 2019-06-07. Review status: criteria provided, single submitter. Criteria: Ambry Variant Classification Scheme 2023. Collection method: clinical testing. Allele origin: germline.

GeneDx
Classification: Likely benign. Last evaluated: 2018-03-27. Review status: criteria provided, single submitter. Criteria: GeneDx Variant Classification Process June 2021. Collection method: clinical testing. Allele origin: germline. Affected: yes.

Breakthrough Genomics
Classification: Likely benign. Review status: criteria provided, single submitter. Criteria: ACMG Guidelines, 2015. Collection method: not provided. Allele origin: germline. Inheritance: Autosomal recessive inheritance. Affected: yes.

PreventionGenetics, part of Exact Sciences
Classification: Likely benign for TXNRD2-related condition. Last evaluated: 2022-05-16. Review status: no assertion criteria provided. Collection method: clinical testing. Allele origin: germline. Not counted in ClinVar's aggregate classification.
Comment: This variant is classified as likely benign based on ACMG/AMP sequence variant interpretation guidelines (Richards et al. 2015 PMID: 25741868, with internal and published modifications).

Clinical Genetics DNA and cytogenetics Diagnostics Lab, Erasmus MC, Erasmus Medical Center
Classification: Likely benign. Review status: no assertion criteria provided. Collection method: clinical testing. Allele origin: germline. Affected: yes. Study: VKGL Data-share Consensus. Not counted in ClinVar's aggregate classification.

Genome Diagnostics Laboratory, University Medical Center Utrecht
Classification: Likely benign. Review status: no assertion criteria provided. Collection method: clinical testing. Allele origin: germline. Affected: yes. Study: VKGL Data-share Consensus. Not counted in ClinVar's aggregate classification.

NM_006440.5(TXNRD2):c.1407C>A (p.Asn469Lys)

Gene: TXNRD2 (thioredoxin reductase 2; minus strand). Cytogenetic location: 22q11.21.
Variant type: single nucleotide variant.
Coding change: c.1407C>A on transcript NM_006440.5 (MANE Select); coding-DNA position 1407, C replaced by A.
Protein change: p.Asn469Lys; replaces asparagine 469 with lysine.
Molecular consequence: missense variant. On other transcripts: non-coding transcript variant (1).
Genome position (GRCh38, 1-based): chr22:19,878,128, G>T on the plus strand (C>A on the coding strand, the complement: TXNRD2 is on the minus strand). VCF-style: chr22-19878128-G-T. GRCh37 (hg19) VCF-style: chr22-19865651-G-T.
Other names: c.1404C>A, p.Asn468Lys (NM_001352300.2); c.1317C>A, p.Asn439Lys (NM_001352301.2); c.1119C>A, p.Asn373Lys (NM_001352302.2); short protein forms N469K, N439K, N373K, N468K.
Identifiers: ClinVar variation 451313 (VCV000451313.24), dbSNP rs200063300, ClinGen allele CA10103667.